The following is an entry in ClinVar:

NM_006031.6(PCNT):c.6599C>T (p.Ser2200Phe)

Gene: PCNT (pericentrin; plus strand). Cytogenetic location: 21q22.3.
Variant type: single nucleotide variant.
Coding change: c.6599C>T on transcript NM_006031.6 (MANE Select); coding-DNA position 6599, C replaced by T.
Protein change: p.Ser2200Phe; replaces serine 2200 with phenylalanine.
Molecular consequence: missense variant.
Genome position (GRCh38, 1-based): chr21:46,416,517, C>T. VCF-style: chr21-46416517-C-T. GRCh37 (hg19) VCF-style: chr21-47836431-C-T.
Other names: c.6245C>T, p.Ser2082Phe (NM_001315529.2); short protein forms S2200F, S2082F.
Identifiers: ClinVar variation 4691986 (VCV004691986.1).

ClinVar aggregate classification (germline): Uncertain significance (1 of 4 stars; one submission).

gnomAD v4.1: 2 of 1,613,598 alleles (0.00012%); highest among the groups gnomAD compares: Non-Finnish European, 0.000085%; no homozygotes.

Submission:

Labcorp Genetics (formerly Invitae), Labcorp
Classification: Uncertain significance. Last evaluated: 2025-08-29. Review status: criteria provided, single submitter. Criteria: Invitae Variant Classification Sherloc (09022015). Collection method: clinical testing. Allele origin: germline.
Comment: This sequence change replaces serine, which is neutral and polar, with phenylalanine, which is neutral and non-polar, at codon 2200 of the PCNT protein (p.Ser2200Phe). This variant is not present in population databases (gnomAD no frequency). This variant has not been reported in the literature in individuals affected with PCNT-related conditions. An algorithm developed to predict the effect of missense changes on protein structure and function (PolyPhen-2) suggests that this variant is likely to be tolerated. In summary, the available evidence is currently insufficient to determine the role of this variant in disease. Therefore, it has been classified as a Variant of Uncertain Significance.